The following is an entry in ClinVar:

ClinVar aggregate classification (germline): Uncertain significance (1 of 4 stars; one submission).

gnomAD v4.1: 10 of 1,614,014 alleles (0.00062%); highest among the groups gnomAD compares: Non-Finnish European, 0.00085%; no homozygotes.

Submission:

Women's Health and Genetics/Laboratory Corporation of America, LabCorp
Classification: Uncertain significance. Last evaluated: 2025-12-23. Review status: criteria provided, single submitter. Criteria: LabCorp Variant Classification Summary - May 2015. Collection method: clinical testing. Allele origin: germline.
Comment: Variant summary: NLRP12 c.1613A>G (p.Asp538Gly) results in a non-conservative amino acid change in the encoded protein sequence. Algorithms developed to predict the effect of missense changes on protein structure and function are either unavailable or do not agree on the potential impact of this missense change. The variant was absent in 251468 control chromosomes (gnomAD). The available data on variant occurrences in the general population are insufficient to allow any conclusion about variant significance. To our knowledge, no occurrence of c.1613A>G in individuals affected with NLRP12-related conditions and no experimental evidence demonstrating its impact on protein function have been reported. No submitters have cited clinical-significance assessments for this variant to ClinVar. Based on the evidence outlined above, the variant was classified as uncertain significance.

NM_144687.4(NLRP12):c.1613A>G (p.Asp538Gly)

Gene: NLRP12 (NLR family pyrin domain containing 12; minus strand). Cytogenetic location: 19q13.42.
Variant type: single nucleotide variant.
Coding change: c.1613A>G on transcript NM_144687.4 (MANE Select); coding-DNA position 1613, A replaced by G.
Protein change: p.Asp538Gly; replaces aspartic acid 538 with glycine.
Molecular consequence: missense variant.
Genome position (GRCh38, 1-based): chr19:53,810,046, T>C on the plus strand (A>G on the coding strand, the complement: NLRP12 is on the minus strand). VCF-style: chr19-53810046-T-C. GRCh37 (hg19) VCF-style: chr19-54313300-T-C.
Other names: c.1613A>G, p.Asp538Gly (NM_001277126.2, NM_001277129.1); short protein forms D538G.
Identifiers: ClinVar variation 4688862 (VCV004688862.1).